The following is an entry in ClinVar:

ClinVar aggregate classification (germline): Uncertain significance (1 of 4 stars; one submission).

Conditions:
Familial cold autoinflammatory syndrome 2 (FCAS2). Identifiers: Orphanet 247868, MedGen C2673198, MONDO:0012724, OMIM 611762.

Submission:

Labcorp Genetics (formerly Invitae), Labcorp
Classification: Uncertain significance for Familial cold autoinflammatory syndrome 2. Last evaluated: 2025-04-02. Review status: criteria provided, single submitter. Criteria: Invitae Variant Classification Sherloc (09022015). Collection method: clinical testing. Allele origin: germline.
Comment: This sequence change creates a premature translational stop signal (p.Leu880Glnfs*15) in the NLRP12 gene. It is expected to result in an absent or disrupted protein product. However, the current clinical and genetic evidence is not sufficient to establish whether loss-of-function variants in NLRP12 cause disease. This variant is present in population databases (no rsID available, gnomAD 0.01%). This variant has not been reported in the literature in individuals affected with NLRP12-related conditions. In summary, the available evidence is currently insufficient to determine the role of this variant in disease. Therefore, it has been classified as a Variant of Uncertain Significance.

NM_144687.4(NLRP12):c.2639_2640del (p.Leu880fs)

Gene: NLRP12 (NLR family pyrin domain containing 12; minus strand). Cytogenetic location: 19q13.42.
Variant type: Microsatellite.
Coding change: c.2639_2640del on transcript NM_144687.4 (MANE Select); coding-DNA positions 2639 to 2640, 2 bases deleted (TC; older notation c.2639_2640delTC).
Protein change: p.Leu880fs; shifts the reading frame from leucine 880.
Molecular consequence: frameshift variant.
Genome position (GRCh38, 1-based): chr19:53,801,343-53,801,344, GA deleted on the plus strand (TC on the coding strand, the reverse complement: NLRP12 is on the minus strand); deleting any 2 consecutive bases within chr19:53,801,343-53,801,347 gives the same sequence; the c. name uses the placement nearest the transcript's 3' end. VCF-style (leftmost placement, unchanged base first): chr19-53801342-TGA-T. GRCh37 (hg19) VCF-style: chr19-54304596-TGA-T.
Other names: c.2639_2640delTC (NM_144687.3); c.2642_2643del, p.Leu881fs (NM_001277126.2); c.2639_2640del, p.Leu880fs (NM_001277129.1); short protein forms L880fs, L881fs.
Identifiers: ClinVar variation 536931 (VCV000536931.8), dbSNP rs1342078475, ClinGen allele CA508773780.